The following is an entry in ClinVar:

ClinVar aggregate classification (germline): Uncertain significance (1 of 4 stars; one submission).

Submission:

Labcorp Genetics (formerly Invitae), Labcorp
Classification: Uncertain significance. Last evaluated: 2022-05-16. Review status: criteria provided, single submitter. Criteria: Invitae Variant Classification Sherloc (09022015). Collection method: clinical testing. Allele origin: germline.
Comment: In summary, the available evidence is currently insufficient to determine the role of this variant in disease. Therefore, it has been classified as a Variant of Uncertain Significance. Advanced modeling of protein sequence and biophysical properties (such as structural, functional, and spatial information, amino acid conservation, physicochemical variation, residue mobility, and thermodynamic stability) performed at Invitae indicates that this missense variant is not expected to disrupt CACNA1B protein function. This variant has not been reported in the literature in individuals affected with CACNA1B-related conditions. This variant is not present in population databases (gnomAD no frequency). This sequence change replaces leucine, which is neutral and non-polar, with methionine, which is neutral and non-polar, at codon 1392 of the CACNA1B protein (p.Leu1392Met).

NM_000718.4(CACNA1B):c.4174C>A (p.Leu1392Met)

Gene: CACNA1B (calcium voltage-gated channel subunit alpha1 B; plus strand). Cytogenetic location: 9q34.3.
Variant type: single nucleotide variant.
Coding change: c.4174C>A on transcript NM_000718.4 (MANE Select); coding-DNA position 4174, C replaced by A.
Protein change: p.Leu1392Met; replaces leucine 1392 with methionine.
Molecular consequence: missense variant.
Genome position (GRCh38, 1-based): chr9:138,058,116, C>A. VCF-style: chr9-138058116-C-A. GRCh37 (hg19) VCF-style: chr9-140952568-C-A.
Other names: c.4174C>A, p.Leu1392Met (NM_001243812.2); short protein forms L1392M.
Identifiers: ClinVar variation 2131246 (VCV002131246.4), dbSNP rs2539457032, ClinGen allele CA375813833.
Genomic context (GRCh38, chr9:138,058,116, plus strand): 5'-AAACACTCCGTGGATGCCACCTATGAGGAGCAGGGTCCAAGCCCTGGGTACCGCATGGAG[C>A]TGTCCATCTTCTACGTGGTCTACTTTGTGGTCTTTCCCTTCTTCTTCGTCAACATCTTTG-3'
Protein context (NP_000709.1, residues 1382-1402): QGPSPGYRME[Leu1392Met]SIFYVVYFVV